The following is an entry in ClinVar:

NM_001164508.2(NEB):c.24021G>C (p.Ser8007=)

Genes: NEB (nebulin; minus strand), RIF1 (replication timing regulatory factor 1; plus strand). Cytogenetic location: 2q23.3.
Variant type: single nucleotide variant.
Coding change: c.24021G>C on transcript NM_001164508.2 (MANE Select); coding-DNA position 24021, G replaced by C.
Protein change: p.Ser8007=; no amino-acid change (serine 8007 retained).
Molecular consequence: synonymous variant. On other transcripts: intron variant (1).
Genome position (GRCh38, 1-based): chr2:151,501,391, C>G on the plus strand (G>C on the coding strand, the complement: NEB is on the minus strand). VCF-style: chr2-151501391-C-G. GRCh37 (hg19) VCF-style: chr2-152357905-C-G.
Other names: c.24021G>C, p.Ser8007= (NM_001164507.2); c.24126G>C, p.Ser8042= (NM_001271208.2); c.18825+1402G>C (NM_004543.5).
Identifiers: ClinVar variation 4682304 (VCV004682304.1).

ClinVar aggregate classification (germline): Uncertain significance (1 of 4 stars; one submission).

gnomAD v4.1: 2 of 1,541,836 alleles (0.00013%); highest among the groups gnomAD compares: Non-Finnish European, 0.00018%; no homozygotes.

Submission:

Athena Diagnostics
Classification: Uncertain significance. Last evaluated: 2025-06-02. Review status: criteria provided, single submitter. Criteria: Athena Diagnostics Criteria. Collection method: clinical testing. Allele origin: unknown.
Comment: Available data are insufficient to determine the clinical significance of the variant at this time. This variant has not been reported in large, multi-ethnic general populations. Computational tools yielded inconclusive predictions regarding the effect of this variant on RNA splicing.